The following is an entry in ClinVar:

NM_000322.5(PRPH2):c.74_77del (p.Trp25fs)

Gene: PRPH2 (peripherin 2; minus strand). Cytogenetic location: 6p21.1.
Variant type: Deletion.
Coding change: c.74_77del on transcript NM_000322.5 (MANE Select); coding-DNA positions 74 to 77, 4 bases deleted (GGTT; older notation c.74_77delGGTT).
Protein change: p.Trp25fs; shifts the reading frame from tryptophan 25.
Molecular consequence: frameshift variant.
Genome position (GRCh38, 1-based): chr6:42,722,258-42,722,261, AACC deleted on the plus strand (GGTT on the coding strand, the reverse complement: PRPH2 is on the minus strand); deleting any 4 consecutive bases within chr6:42,722,258-42,722,262 gives the same sequence; the c. name uses the placement nearest the transcript's 3' end. VCF-style (leftmost placement, unchanged base first): chr6-42722257-GAACC-G. GRCh37 (hg19) VCF-style: chr6-42689995-GAACC-G.
Other names: short protein forms W25fs.
Identifiers: ClinVar variation 1175241 (VCV001175241.2), dbSNP rs2152011125, ClinGen allele CA2499218310.

ClinVar aggregate classification (germline): Pathogenic. Review status: criteria provided, single submitter (1 of 4 stars). 2 submissions from 2 submitters: Pathogenic (1). 1 of the submissions does not count toward it. Last evaluated 2019-01-01.

Conditions:
Retinal dystrophy. Also called: Inherited retinal dystrophy. Identifiers: Orphanet 71862, MedGen C0854723, MeSH D058499, MONDO:0019118, HP:0000556.

Submissions (2):

Institute of Human Genetics, Univ. Regensburg, Univ. Regensburg
Classification: Pathogenic for Retinal dystrophy. Last evaluated: 2019-01-01. Review status: criteria provided, single submitter. Criteria: ACMG Guidelines, 2015. Collection method: clinical testing. Allele origin: germline. Affected: yes.

Leiden Open Variation Database
Classification: Pathogenic. Last evaluated: 2021-04-06. Review status: no assertion criteria provided. Collection method: curation. Allele origin: germline. Affected: yes. Not counted in ClinVar's aggregate classification.
Comment: Curator: Global Variome, with Curator vacancy. Submitter to LOVD: Manon Peeters.

Literature cited by the submitters: PubMed 25803555 (cited by Institute of Human Genetics, Univ. Regensburg, Univ. Regensburg and Leiden Open Variation Database); PubMed 3441139 (cited by Institute of Human Genetics, Univ. Regensburg, Univ. Regensburg).